The following is an entry in ClinVar:

NM_203486.3(DLL3):c.1022G>A (p.Cys341Tyr)

Gene: DLL3 (delta like canonical Notch ligand 3; plus strand). Cytogenetic location: 19q13.2.
Variant type: single nucleotide variant.
Coding change: c.1022G>A on transcript NM_203486.3 (MANE Select); coding-DNA position 1022, G replaced by A.
Protein change: p.Cys341Tyr; replaces cysteine 341 with tyrosine.
Molecular consequence: missense variant.
Genome position (GRCh38, 1-based): chr19:39,505,380, G>A. VCF-style: chr19-39505380-G-A. GRCh37 (hg19) VCF-style: chr19-39996020-G-A.
Other names: c.1022G>A, p.Cys341Tyr (NM_016941.4); short protein forms C341Y.
Identifiers: ClinVar variation 3612568 (VCV003612568.1).
Genomic context (GRCh38, chr19:39,505,380, plus strand): 5'-GCTTCAACGGCGGCTTGTGTGTCGGGGGTGCAGACCCTGACTCTGCCTACATCTGCCACT[G>A]CCCACCCGGTTTCCAAGGCTCCAACTGTGAGAAGAGGGTGGACCGGTGCAGCCTGCAGCC-3'
Protein context (NP_982353.1, residues 331-351): ADPDSAYICH[Cys341Tyr]PPGFQGSNCE

ClinVar aggregate classification (germline): Uncertain significance (1 of 4 stars; one submission).

Submission:

Labcorp Genetics (formerly Invitae), Labcorp
Classification: Uncertain significance. Last evaluated: 2024-12-09. Review status: criteria provided, single submitter. Criteria: Invitae Variant Classification Sherloc (09022015). Collection method: clinical testing. Allele origin: germline.
Comment: This sequence change replaces cysteine, which is neutral and slightly polar, with tyrosine, which is neutral and polar, at codon 341 of the DLL3 protein (p.Cys341Tyr). This variant is not present in population databases (gnomAD no frequency). This variant has not been reported in the literature in individuals affected with DLL3-related conditions. An algorithm developed to predict the effect of missense changes on protein structure and function (PolyPhen-2) suggests that this variant is likely to be disruptive. In summary, the available evidence is currently insufficient to determine the role of this variant in disease. Therefore, it has been classified as a Variant of Uncertain Significance.